The following is an entry in ClinVar:

NM_174916.3(UBR1):c.4138C>T (p.Arg1380Cys)

Gene: UBR1 (ubiquitin protein ligase E3 component n-recognin 1; minus strand). Cytogenetic location: 15q15.2.
Variant type: single nucleotide variant.
Coding change: c.4138C>T on transcript NM_174916.3 (MANE Select); coding-DNA position 4138, C replaced by T.
Protein change: p.Arg1380Cys; replaces arginine 1380 with cysteine.
Molecular consequence: missense variant.
Genome position (GRCh38, 1-based): chr15:42,983,909, G>A on the plus strand (C>T on the coding strand, the complement: UBR1 is on the minus strand). VCF-style: chr15-42983909-G-A. GRCh37 (hg19) VCF-style: chr15-43276107-G-A.
Other names: short protein forms R1380C.
Identifiers: ClinVar variation 717377 (VCV000717377.9), dbSNP rs372200839, ClinGen allele CA7517973.

ClinVar aggregate classification (germline): Likely benign. Review status: criteria provided, single submitter (1 of 4 stars). 2 submissions from 2 submitters: Likely benign (1). 1 of the submissions does not count toward it. Last evaluated 2025-07-08.

Conditions:
UBR1-related disorder. Also called: UBR1-related condition.

Allele frequency attached by ClinVar (database versions not stated): gnomAD exomes 0.00014 and 0.00039; TOPMed 0.00040.
gnomAD v4.1: 242 of 1,611,430 alleles (0.015%); highest among the groups gnomAD compares: East Asian, 0.4%; no homozygotes.

Submissions (2):

Labcorp Genetics (formerly Invitae), Labcorp
Classification: Likely benign. Last evaluated: 2025-07-08. Review status: criteria provided, single submitter. Criteria: Invitae Variant Classification Sherloc (09022015). Collection method: clinical testing. Allele origin: germline.

PreventionGenetics, part of Exact Sciences
Classification: Likely benign for UBR1-related condition. Last evaluated: 2023-01-24. Review status: no assertion criteria provided. Collection method: clinical testing. Allele origin: germline. Not counted in ClinVar's aggregate classification.
Comment: This variant is classified as likely benign based on ACMG/AMP sequence variant interpretation guidelines (Richards et al. 2015 PMID: 25741868, with internal and published modifications).